The following is an entry in ClinVar:

NM_000063.6(C2):c.443-4G>A

Gene: C2 (complement C2; plus strand). Cytogenetic location: 6p21.33.
Variant type: single nucleotide variant.
Coding change: c.443-4G>A on transcript NM_000063.6 (MANE Select); 4 bases into the intron before coding-DNA position 443, G replaced by A.
Molecular consequence: intron variant. On other transcripts: missense variant (1), initiator codon variant (1), genic upstream transcript variant (1).
Genome position (GRCh38, 1-based): chr6:31,933,606, G>A. VCF-style: chr6-31933606-G-A. GRCh37 (hg19) VCF-style: chr6-31901383-G-A.
Other names: c.65G>A, p.Arg22His (NM_001178063.3); c.-63-4G>A (NM_001282457.2); c.356-4G>A (NM_001282458.2); c.47-4G>A (NM_001145903.3); c.443-4G>A (NM_001282459.2); short protein forms R22H.
Identifiers: ClinVar variation 906981 (VCV000906981.14), dbSNP rs9332719, ClinGen allele CA3727399.
Genomic context (GRCh38, chr6:31,933,606, plus strand): 5'-GCTGAGGAGGCAGAGCCTGATGGGAGGGGGCTACTCACCTCTGCCTTCCTTTGTTCACTC[G>A]CAGCTGGCCACTGCCCCAACCCAGGCATTTCACTGGGCGCAGTGCGGACAGGCTTCCGCT-3'

ClinVar aggregate classification (germline): Conflicting classifications of pathogenicity. Review status: criteria provided, conflicting classifications (1 of 4 stars). 4 submissions from 3 submitters: Uncertain significance (1); Benign (1); Likely benign (2). Last evaluated 2026-02-01.

Conditions:
Age related macular degeneration 14. Also called: MACULAR DEGENERATION, AGE-RELATED, 14, REDUCED RISK OF. Identifiers: MedGen C3809653, MONDO:0014207, OMIM 615489.
Complement component 2 deficiency (C2D). Also called: C2 deficiency. Identifiers: MedGen C0398756, MONDO:0009006, OMIM 217000.

Allele frequency attached by ClinVar (database versions not stated): gnomAD exomes 0.00038; TOPMed 0.00347; ESP Exome Variant Server 0.00356; gnomAD 0.00380; 1000 Genomes Project 0.00439; 1000 Genomes Project 30x 0.00515.
gnomAD v4.1: 1,121 of 1,612,984 alleles (0.069%); highest among the groups gnomAD compares: African/African-American, 1.3%; 14 homozygotes.

Submissions (4):

Labcorp Genetics (formerly Invitae), Labcorp
Classification: Benign. Last evaluated: 2026-02-01. Review status: criteria provided, single submitter. Criteria: Invitae Variant Classification Sherloc (09022015). Collection method: clinical testing. Allele origin: germline.

Blueprint Genetics
Classification: Likely benign. Last evaluated: 2024-11-01. Review status: criteria provided, single submitter. Criteria: ACMG Guidelines, 2015. Collection method: clinical testing. Allele origin: germline.

Illumina Laboratory Services, Illumina
Classification: Likely benign for Age related macular degeneration 14. Last evaluated: 2018-01-12. Review status: criteria provided, single submitter. Criteria: ICSL Variant Classification Criteria 13 December 2019. Collection method: clinical testing. Allele origin: germline.
Comment: This variant was observed in the ICSL laboratory as part of a predisposition screen in an ostensibly healthy population. It had not been previously curated by ICSL or reported in the Human Gene Mutation Database (HGMD: prior to June 1st, 2018), and was therefore a candidate for classification through an automated scoring system. Utilizing variant allele frequency, disease prevalence and penetrance estimates, and inheritance mode, an automated score was calculated to assess if this variant is too frequent to cause the disease. Based on the score and internal cut-off values, a variant classified as likely benign is not then subjected to further curation. The score for this variant resulted in a classification of likely benign for this disease.

Illumina Laboratory Services, Illumina
Classification: Uncertain significance for Complement component 2 deficiency. Last evaluated: 2018-01-12. Review status: criteria provided, single submitter. Criteria: ICSL Variant Classification Criteria 13 December 2019. Collection method: clinical testing. Allele origin: germline.